The following is an entry in ClinVar:

ClinVar aggregate classification (germline): Uncertain significance. Review status: criteria provided, single submitter (1 of 4 stars). 2 submissions from 2 submitters: Uncertain significance (1). 1 of the submissions does not count toward it. Last evaluated 2024-11-25.

Conditions:
CFTR-related disorder (CFTR-RD). Also called: CFTR-related disorders; CFTR-related condition. Identifiers: MedGen C5924204, MONDO:7770004.
Cystic fibrosis (CF). Also called: MUCOVISCIDOSIS. Identifiers: Orphanet 586, MedGen C0010674, MONDO:0009061, OMIM 219700. Disease mechanism: loss of function.

Submissions (2):

Labcorp Genetics (formerly Invitae), Labcorp
Classification: Uncertain significance for Cystic fibrosis. Last evaluated: 2024-11-25. Review status: criteria provided, single submitter. Criteria: Invitae Variant Classification Sherloc (09022015). Collection method: clinical testing. Allele origin: germline.
Comment: This sequence change replaces isoleucine, which is neutral and non-polar, with methionine, which is neutral and non-polar, at codon 215 of the CFTR protein (p.Ile215Met). This variant is not present in population databases (gnomAD no frequency). This variant has not been reported in the literature in individuals affected with CFTR-related conditions. Invitae Evidence Modeling of protein sequence and biophysical properties (such as structural, functional, and spatial information, amino acid conservation, physicochemical variation, residue mobility, and thermodynamic stability) indicates that this missense variant is not expected to disrupt CFTR protein function with a negative predictive value of 80%. In summary, the available evidence is currently insufficient to determine the role of this variant in disease. Therefore, it has been classified as a Variant of Uncertain Significance.

Natera, Inc.
Classification: Uncertain significance for CFTR-related disorders. Last evaluated: 2025-04-24. Review status: no assertion criteria provided. Collection method: clinical testing. Allele origin: germline. Not counted in ClinVar's aggregate classification.

NM_000492.4(CFTR):c.645C>G (p.Ile215Met)

Gene: CFTR (CF transmembrane conductance regulator; plus strand). Cytogenetic location: 7q31.2.
Variant type: single nucleotide variant.
Coding change: c.645C>G on transcript NM_000492.4 (MANE Select); coding-DNA position 645, C replaced by G.
Protein change: p.Ile215Met; replaces isoleucine 215 with methionine.
Molecular consequence: missense variant.
Genome position (GRCh38, 1-based): chr7:117,535,313, C>G. VCF-style: chr7-117535313-C-G. GRCh37 (hg19) VCF-style: chr7-117175367-C-G.
Other names: short protein forms I215M.
Identifiers: ClinVar variation 3607269 (VCV003607269.3).